The following is an entry in ClinVar:

NM_000718.4(CACNA1B):c.6253G>A (p.Val2085Met)

Gene: CACNA1B (calcium voltage-gated channel subunit alpha1 B; plus strand). Cytogenetic location: 9q34.3.
Variant type: single nucleotide variant.
Coding change: c.6253G>A on transcript NM_000718.4 (MANE Select); coding-DNA position 6253, G replaced by A.
Protein change: p.Val2085Met; replaces valine 2085 with methionine.
Molecular consequence: missense variant.
Genome position (GRCh38, 1-based): chr9:138,120,645, G>A. VCF-style: chr9-138120645-G-A. GRCh37 (hg19) VCF-style: chr9-141015097-G-A.
Other names: c.6253G>A, p.Val2085Met (NM_001243812.2); c.6253G>A (NM_000718.3); short protein forms V2085M.
Identifiers: ClinVar variation 2149826 (VCV002149826.5), dbSNP rs754890041, ClinGen allele CA5377668.
Genomic context (GRCh38, chr9:138,120,645, plus strand): 5'-CCTGCCTTGGGCCTGGCCGTGCTAACTTCTTCTCTTCCCTGGCCAGCACCAAGCAGTGCT[G>A]TGGGGCCGGGGCTGCCCCCGGGAGAGGGGCCTACAGGCTGCCGGCGGGAACGAGAGCGCC-3'
Protein context (NP_000709.1, residues 2075-2095): ADMDGAPSSA[Val2085Met]GPGLPPGEGP

ClinVar aggregate classification (germline): Uncertain significance. Review status: criteria provided, multiple submitters, no conflicts (2 of 4 stars). 3 submissions from 3 submitters: Uncertain significance (2). 1 of the submissions does not count toward it. Last evaluated 2025-07-07.

Conditions:
CACNA1B-related disorder. Also called: CACNA1B-related condition.

Allele frequency attached by ClinVar (database versions not stated): gnomAD exomes 0.00001; TOPMed 0.00002; ExAC 0.00011.
gnomAD v4.1: 3 of 1,503,000 alleles (0.0002%); highest among the groups gnomAD compares: Admixed American, 0.0079%; no homozygotes.

Submissions (3):

Labcorp Genetics (formerly Invitae), Labcorp
Classification: Uncertain significance. Last evaluated: 2025-07-07. Review status: criteria provided, single submitter. Criteria: Invitae Variant Classification Sherloc (09022015). Collection method: clinical testing. Allele origin: germline.
Comment: This sequence change replaces valine, which is neutral and non-polar, with methionine, which is neutral and non-polar, at codon 2085 of the CACNA1B protein (p.Val2085Met). This variant is present in population databases (rs754890041, gnomAD 0.02%). This variant has not been reported in the literature in individuals affected with CACNA1B-related conditions. ClinVar contains an entry for this variant (Variation ID: 2149826). Invitae Evidence Modeling of protein sequence and biophysical properties (such as structural, functional, and spatial information, amino acid conservation, physicochemical variation, residue mobility, and thermodynamic stability) indicates that this missense variant is not expected to disrupt CACNA1B protein function with a negative predictive value of 80%. In summary, the available evidence is currently insufficient to determine the role of this variant in disease. Therefore, it has been classified as a Variant of Uncertain Significance.

Ambry Genetics
Classification: Uncertain significance. Last evaluated: 2025-01-04. Review status: criteria provided, single submitter. Criteria: Ambry Variant Classification Scheme 2023. Collection method: clinical testing. Allele origin: germline.

PreventionGenetics, part of Exact Sciences
Classification: Uncertain significance for CACNA1B-related condition. Last evaluated: 2024-02-16. Review status: no assertion criteria provided. Collection method: clinical testing. Allele origin: germline. Not counted in ClinVar's aggregate classification.
Comment: The CACNA1B c.6253G>A variant is predicted to result in the amino acid substitution p.Val2085Met. To our knowledge, this variant has not been reported in the literature. This variant is reported in 0.022% of alleles in individuals of Latino descent in gnomAD. At this time, the clinical significance of this variant is uncertain due to the absence of conclusive functional and genetic evidence.